The following is an entry in ClinVar:

ClinVar aggregate classification (germline): Likely pathogenic. Review status: reviewed by expert panel (3 of 4 stars). 2 submissions from 2 submitters: Likely pathogenic (1). 1 of the submissions does not count toward it. Last evaluated 2025-01-13.

Conditions:
MELAS syndrome (MELAS). Also called: Juvenile myopathy, encephalopathy, lactic acidosis, stroke. Identifiers: Orphanet 550, MedGen C0162671, MONDO:0010789, OMIM 540000.
Mitochondrial disease. Also called: Mitochondrial disorder; Mitochondrial disorders. Identifiers: Orphanet 68380, MedGen C0751651, MeSH D028361, MONDO:0044970.

Submissions (2):

ClinGen Mitochondrial Disease Nuclear and Mitochondrial  Variant Curation Expert Panel, ClinGen
Classification: Likely pathogenic for Mitochondrial disease. Last evaluated: 2025-01-13. Review status: reviewed by expert panel. Criteria: clingen mito disease acmg specifications v1-1. Collection method: curation. Allele origin: germline. Inheritance: Mitochondrial inheritance.
Comment: The m.14465G>A (p.T70I) variant in MT-ND6 has been reported in five unrelated individuals with primary mitochondrial disease to date (PS4_moderate; PMIDs: 32652755, 34536563, 34264415, 37628761). Affected individuals had clinical features consistent with Leber Hereditary Optic Neuropathy (LHON) and Leigh syndrome spectrum (LSS) disorder as well as ataxia, microcephaly, gastrointestinal dysmotility, and lactic acidosis. Heteroplasmy levels in affected individuals ranged from 76% to homoplasmy in varying tissues. There is one reported de novo occurrence of this variant (PMID: 32652755). This variant is absent in in the MITOMAP GenBank dataset, gnomAD v3.1.2, and the Helix dataset (PM2_supporting). The computational predictor APOGEE suggests this variant is pathogenic (0.665, range 0-1; PP3). There are no cybrids, single fiber studies, or other functional assays reported on this variant. In summary, this variant meets criteria to be classified as likely pathogenic for primary mitochondrial disease inherited in a mitochondrial manner. This classification was approved by the NICHD/NINDS U24 ClinGen Mitochondrial Disease Variant Curation Expert Panel on January 13, 2025. Mitochondrial DNA-specific ACMG/AMP criteria applied (PMID: 32906214): PS4_moderate, PP1_moderate, PM2_supporting, PP3.

Wong Mito Lab, Molecular and Human Genetics, Baylor College of Medicine
Classification: Likely pathogenic for MELAS syndrome. Last evaluated: 2019-10-17. Review status: criteria provided, single submitter. Criteria: Modified ACMG Guidelines (Unpublished). Collection method: clinical testing. Allele origin: germline. Not counted in ClinVar's aggregate classification.
Comment: The NC_012920.1:m.14465G>A (YP_003024037.1:p.Thr70Ile) variant in MTND6 gene is interpretated to be a Likely Pathogenic variant based on the modified ACMG guidelines (unpublished). This variant meets the following evidence codes: PM2, PM9, PM10, PP4

NC_012920.1(MT-ND6):m.14465G>A

Gene: MT-ND6 (mitochondrially encoded NADH dehydrogenase 6; minus strand).
Variant type: single nucleotide variant.
Genome position: chrM-14465-G-A.
Identifiers: ClinVar variation 693726 (VCV000693726.1), dbSNP rs1603224738, ClinGen allele CA414822605.